The following is an entry in ClinVar:

ClinVar aggregate classification (germline): Likely benign (0 of 4 stars; one submission).

Conditions:
PCNT-related disorder. Also called: PCNT-related condition.

Allele frequency attached by ClinVar (database versions not stated): ExAC 0.00002; gnomAD exomes 0.00002; gnomAD 0.00003.
gnomAD v4.1: 34 of 1,614,096 alleles (0.0021%); highest among the groups gnomAD compares: African/African-American, 0.004%; no homozygotes.

Submission:

PreventionGenetics, part of Exact Sciences
Classification: Likely benign for PCNT-related condition. Last evaluated: 2023-04-17. Review status: no assertion criteria provided. Collection method: clinical testing. Allele origin: germline.
Comment: This variant is classified as likely benign based on ACMG/AMP sequence variant interpretation guidelines (Richards et al. 2015 PMID: 25741868, with internal and published modifications).

NM_006031.6(PCNT):c.7752G>A (p.Thr2584=)

Gene: PCNT (pericentrin; plus strand). Cytogenetic location: 21q22.3.
Variant type: single nucleotide variant.
Coding change: c.7752G>A on transcript NM_006031.6 (MANE Select); coding-DNA position 7752, G replaced by A.
Protein change: p.Thr2584=; no amino-acid change (threonine 2584 retained).
Molecular consequence: synonymous variant.
Genome position (GRCh38, 1-based): chr21:46,430,071, G>A. VCF-style: chr21-46430071-G-A. GRCh37 (hg19) VCF-style: chr21-47849985-G-A.
Other names: c.7398G>A, p.Thr2466= (NM_001315529.2).
Identifiers: ClinVar variation 3032357 (VCV003032357.2), dbSNP rs760636559, ClinGen allele CA10080786.